The following is an entry in ClinVar:

NM_001267550.2(TTN):c.1161C>T (p.Thr387=)

Gene: TTN (titin; minus strand). Cytogenetic location: 2q31.2.
Variant type: single nucleotide variant.
Coding change: c.1161C>T on transcript NM_001267550.2 (MANE Select); coding-DNA position 1161, C replaced by T.
Protein change: p.Thr387=; no amino-acid change (threonine 387 retained).
Molecular consequence: synonymous variant.
Genome position (GRCh38, 1-based): chr2:178,795,006, G>A on the plus strand (C>T on the coding strand, the complement: TTN is on the minus strand). VCF-style: chr2-178795006-G-A. GRCh37 (hg19) VCF-style: chr2-179659733-G-A.
Other names: c.1161C>T, p.Thr387= (NM_003319.4, NM_133378.4, NM_133379.5 and 3 more transcripts).
Identifiers: ClinVar variation 516797 (VCV000516797.15), dbSNP rs753484667, ClinGen allele CA2006132.

ClinVar aggregate classification (germline): Likely benign. Review status: criteria provided, multiple submitters, no conflicts (2 of 4 stars). 5 submissions from 5 submitters: Likely benign (5). Last evaluated 2026-09-01.

Conditions:
Autosomal recessive limb-girdle muscular dystrophy type 2J (LGMDR10). Also called: Limb-girdle muscular dystrophy, type 2J; MUSCULAR DYSTROPHY, LIMB-GIRDLE, AUTOSOMAL RECESSIVE 10. Identifiers: Orphanet 140922, MedGen C1837342, MONDO:0012127, OMIM 608807.
Dilated cardiomyopathy 1G (CMD1G). Identifiers: Orphanet 154, MedGen C1858763, MONDO:0011400, OMIM 604145.
TTN-related disorder. Also called: TTN-related condition; TTN-related disease; TTN-related disorders.
Cardiovascular phenotype. Identifiers: MedGen CN230736.

Allele frequency attached by ClinVar (database versions not stated): gnomAD exomes below 0.00001 and 0.00003; ExAC 0.00001.
gnomAD v4.1: 35 of 1,610,654 alleles (0.0022%); highest among the groups gnomAD compares: Non-Finnish European, 0.003%; no homozygotes.

Submissions (5):

PreventionGenetics, part of Exact Sciences
Classification: Likely benign for TTN-related condition. Last evaluated: 2026-09-01. Review status: criteria provided, single submitter. Criteria: ACMG Guidelines, 2015. Collection method: clinical testing. Allele origin: germline.
Comment: This variant is classified as likely benign based on ACMG/AMP sequence variant interpretation guidelines (Richards et al. 2015 PMID: 25741868, with internal and published modifications).

Labcorp Genetics (formerly Invitae), Labcorp
Classification: Likely benign for Dilated cardiomyopathy 1G; Autosomal recessive limb-girdle muscular dystrophy type 2J. Last evaluated: 2026-01-31. Review status: criteria provided, single submitter. Criteria: Invitae Variant Classification Sherloc (09022015). Collection method: clinical testing. Allele origin: germline.

Women's Health and Genetics/Laboratory Corporation of America, LabCorp
Classification: Likely benign. Last evaluated: 2025-12-26. Review status: criteria provided, single submitter. Criteria: LabCorp Variant Classification Summary - May 2015. Collection method: clinical testing. Allele origin: germline.

Ambry Genetics
Classification: Likely benign for Cardiovascular phenotype. Last evaluated: 2022-12-16. Review status: criteria provided, single submitter. Criteria: Ambry Variant Classification Scheme 2023. Collection method: clinical testing. Allele origin: germline.

GeneDx
Classification: Likely benign. Last evaluated: 2020-08-17. Review status: criteria provided, single submitter. Criteria: GeneDx Variant Classification Process June 2021. Collection method: clinical testing. Allele origin: germline. Affected: yes.